The following is an entry in ClinVar:

ClinVar aggregate classification (germline): Likely benign. Review status: criteria provided, multiple submitters, no conflicts (2 of 4 stars). 4 submissions from 4 submitters: Likely benign (4). Last evaluated 2026-04-01.

Conditions:
Inborn genetic diseases. Identifiers: MedGen C0950123, MeSH D030342.

gnomAD v4.1: 98 of 1,613,360 alleles (0.0061%); highest among the groups gnomAD compares: Middle Eastern, 0.049%; 1 homozygote.

Submissions (4):

CeGaT Center for Human Genetics Tuebingen
Classification: Likely benign. Last evaluated: 2026-04-01. Review status: criteria provided, single submitter. Criteria: CeGaT Center For Human Genetics Tuebingen Variant Classification Criteria Version 2. Collection method: clinical testing. Allele origin: germline. Affected: yes. Observed: 3 variant alleles.
Comment: NBEA: BS1

Mayo Clinic Laboratories, Mayo Clinic
Classification: Likely benign. Last evaluated: 2025-08-28. Review status: criteria provided, single submitter. Criteria: ACMG Guidelines, 2015. Collection method: clinical testing. Allele origin: germline. Observed: 2 variant alleles.
Comment: BS1_supporting, BP4_moderate, PP2

Ambry Genetics
Classification: Likely benign for Inborn genetic diseases. Last evaluated: 2024-06-03. Review status: criteria provided, single submitter. Criteria: Ambry Variant Classification Scheme 2023. Collection method: clinical testing. Allele origin: germline.

Blueprint Genetics
Classification: Likely benign. Last evaluated: 2024-02-16. Review status: criteria provided, single submitter. Criteria: ACMG Guidelines, 2015. Collection method: clinical testing. Allele origin: germline.

NM_001385012.1(NBEA):c.3002G>A (p.Arg1001Gln)

Gene: NBEA (neurobeachin; plus strand). Cytogenetic location: 13q13.3.
Variant type: single nucleotide variant.
Coding change: c.3002G>A on transcript NM_001385012.1 (MANE Select); coding-DNA position 3002, G replaced by A.
Protein change: p.Arg1001Gln; replaces arginine 1001 with glutamine.
Molecular consequence: missense variant.
Genome position (GRCh38, 1-based): chr13:35,159,173, G>A. VCF-style: chr13-35159173-G-A. GRCh37 (hg19) VCF-style: chr13-35733310-G-A.
Other names: p.Arg1001Gln; c.3002G>A, p.Arg1001Gln (NM_001379245.1, NM_015678.5); short protein forms R1001Q.
Identifiers: ClinVar variation 3298560 (VCV003298560.12).
Genomic context (GRCh38, chr13:35,159,173, plus strand): 5'-TGAGCACCATCTCTGGTCTTTCATCACAGACAACAGGAGCAAAAGGTGGAATGGAAATTC[G>A]AGAGATAGAAGATCTTTCACAAAGCCAGAGCCCAGAAAGTGAGACCGATTACCCTGTCAG-3'
Protein context (NP_001371941.1, residues 991-1011): TTGAKGGMEI[Arg1001Gln]EIEDLSQSQS